The following is an entry in ClinVar:

ClinVar aggregate classification (germline): Pathogenic/Likely pathogenic. Review status: criteria provided, multiple submitters, no conflicts (2 of 4 stars). 6 submissions from 6 submitters: Pathogenic (5); Likely pathogenic (1). Last evaluated 2023-08-18.

Conditions:
Usher syndrome type 1F (USH1F). Also called: USHER SYNDROME, TYPE IF. Identifiers: Orphanet 231169, Orphanet 886, MedGen C1865885, MONDO:0011186, OMIM 602083.
Usher syndrome type 1D (USH1D). Also called: USHER SYNDROME, TYPE ID. Identifiers: Orphanet 231169, Orphanet 886, MedGen C1832845, MONDO:0010984, OMIM 601067.
PCDH15-related disorder. Also called: PCDH15-related condition; PCDH15-related disorders.
Autosomal recessive nonsyndromic hearing loss 23. Identifiers: Orphanet 90636, MedGen C1836027, MONDO:0012293, OMIM 609533.

Allele frequency attached by ClinVar (database versions not stated): gnomAD exomes below 0.00001; ExAC 0.00001.
gnomAD v4.1: 27 of 1,612,328 alleles (0.0017%); highest among the groups gnomAD compares: Non-Finnish European, 0.0022%; no homozygotes.

Submissions (6):

Baylor Genetics
Classification: Pathogenic for Autosomal recessive nonsyndromic hearing loss 23. Last evaluated: 2023-08-18. Review status: criteria provided, single submitter. Criteria: ACMG Guidelines, 2015. Collection method: clinical testing. Allele origin: unknown.

Labcorp Genetics (formerly Invitae), Labcorp
Classification: Pathogenic. Last evaluated: 2023-06-23. Review status: criteria provided, single submitter. Criteria: Invitae Variant Classification Sherloc (09022015). Collection method: clinical testing. Allele origin: germline.
Comment: For these reasons, this variant has been classified as Pathogenic. Algorithms developed to predict the effect of sequence changes on RNA splicing suggest that this variant may disrupt the consensus splice site. ClinVar contains an entry for this variant (Variation ID: 1073476). Disruption of this splice site has been observed in individual(s) with hearing impairment (PMID: 18719945). It has also been observed to segregate with disease in related individuals. This variant is present in population databases (rs748706627, gnomAD 0.002%). This sequence change affects a donor splice site in intron 27 of the PCDH15 gene. It is expected to disrupt RNA splicing. Variants that disrupt the donor or acceptor splice site typically lead to a loss of protein function (PMID: 16199547), and loss-of-function variants in PCDH15 are known to be pathogenic (PMID: 11398101, 11487575, 14570705).

Women's Health and Genetics/Laboratory Corporation of America, LabCorp
Classification: Pathogenic for Usher syndrome type 1F. Last evaluated: 2023-04-06. Review status: criteria provided, single submitter. Criteria: LabCorp Variant Classification Summary - May 2015. Collection method: clinical testing. Allele origin: germline.
Comment: Variant summary: PCDH15 c.3717+1G>T is located in a canonical splice-site and is predicted to affect mRNA splicing resulting in a significantly altered protein due to either exon skipping, shortening, or inclusion of intronic material. Several computational tools predict a significant impact on normal splicing: Four predict the variant abolishes the canonical 5' splicing donor site. However, these predictions have yet to be confirmed by functional studies. The variant allele was found at a frequency of 4e-06 in 250906 control chromosomes (gnomAD). c.3717+1G>T has been reported in the literature in multiple individuals affected with Usher Syndrome Type 1F and the variant segregated with the disease (example: Ahmed_2018). These data indicate that the variant is very likely to be associated with disease. To our knowledge, no experimental evidence demonstrating an impact on protein function has been reported. Three clinical diagnostic laboratories have submitted clinical-significance assessments for this variant to ClinVar after 2014 and all classified the variant as pathogenic/likely pathogenic. Based on the evidence outlined above, the variant was classified as pathogenic.

Broad Center for Mendelian Genomics, Broad Institute of MIT and Harvard
Classification: Pathogenic for Usher syndrome type 1F. Last evaluated: 2023-01-24. Review status: criteria provided, single submitter. Criteria: ACMG Guidelines, 2015. Collection method: curation. Allele origin: germline. Inheritance: Autosomal recessive inheritance.
Comment: The c.3717+1G>T variant in PCDH15 has been reported in 1 individual, in the homozygous state, with Usher syndrome type 1F (PMID: 18719945), segregated with disease in 5 affected relatives from 1 family (PMID: 18719945), and has been identified in 0.002% (2/128820) of European (non-Finnish) chromosomes by the Genome Aggregation Database (gnomAD; dbSNP ID: rs748706627). Although this variant has been seen in the general population in a heterozygous state, its frequency is low enough to be consistent with a recessive carrier frequency. This variant has also been reported in ClinVar (Variation ID#: 1073476) and has been interpreted as pathogenic or likely pathogenic by Invitae and Myriad Women's Health, Inc.. This variant is located in the 3' splice region. Computational tools predict use of a cryptic splice site that includes translation of a premature termination codon, though this information is not predictive enough to determine pathogenicity. In summary, this variant meets criteria to be classified as pathogenic for autosomal recessive Usher syndrome type 1F. ACMG/AMP Criteria applied: PP1_strong, PVS1, PM2_supporting, PM3_supporting (Richards 2015).

Myriad Genetics, Inc.
Classification: Likely pathogenic for Usher syndrome type 1D. Last evaluated: 2021-11-16. Review status: criteria provided, single submitter. Criteria: Myriad Women's Health Autosomal Recessive and X-Linked Classification Criteria (2021). Collection method: clinical testing. Allele origin: unknown.
Comment: NM_033056.3(PCDH15):c.3717+1G>T is a canonical splice variant classified as likely pathogenic in the context of PCDH15-related disorders. c.3717+1G>T has been observed in cases with relevant disease (PMID: 18719945). Functional assessments of this variant are not available in the literature. c.3717+1G>T has been observed in population frequency databases (gnomAD: NFE 0.002%). In summary, NM_033056.3(PCDH15):c.3717+1G>T is a canonical splice variant that has been observed more frequently in cases with the relevant disease than in healthy populations. Please note: this variant was assessed in the context of healthy population screening.

Blueprint Genetics
Classification: Pathogenic for PCDH15-related disorders. Last evaluated: 2021-10-26. Review status: criteria provided, single submitter. Criteria: ACMG Guidelines, 2015. Collection method: clinical testing. Allele origin: germline. Affected: yes. Observed: 2 variant alleles.

Literature cited by the submitters: PubMed 18719945 (cited by 3 submitters); PubMed 16199547 (cited by Labcorp Genetics (formerly Invitae), Labcorp); PubMed 11398101 (cited by Labcorp Genetics (formerly Invitae), Labcorp); PubMed 11487575 (cited by Labcorp Genetics (formerly Invitae), Labcorp); PubMed 14570705 (cited by Labcorp Genetics (formerly Invitae), Labcorp).

NM_001384140.1(PCDH15):c.3717+1G>T

Gene: PCDH15 (protocadherin related 15; minus strand). Cytogenetic location: 10q21.1.
Variant type: single nucleotide variant.
Coding change: c.3717+1G>T on transcript NM_001384140.1 (MANE Select); the canonical splice donor site of the intron after coding-DNA position 3717, G replaced by T.
Molecular consequence: splice donor variant.
Genome position (GRCh38, 1-based): chr10:53,866,641, C>A on the plus strand (G>T on the coding strand, the complement: PCDH15 is on the minus strand). VCF-style: chr10-53866641-C-A. GRCh37 (hg19) VCF-style: chr10-55626401-C-A.
Other names: c.3717+1G>T (NM_001354420.2, NM_001354429.2, NM_001142772.2 and 4 more transcripts); c.3732+1G>T (NM_001142771.2, NM_001142763.2); c.3738+1G>T (NM_001354411.2); c.3753+1G>T (NM_001142769.3); c.3651+1G>T (NM_001354404.2, NM_001142773.2, NM_001142768.2); c.3606+1G>T (NM_001142767.2); c.3504+1G>T (NM_001142765.2).
Identifiers: ClinVar variation 1073476 (VCV001073476.12), dbSNP rs748706627, ClinGen allele CA5505586.